The following is an entry in ClinVar:

ClinVar aggregate classification (germline): Pathogenic (1 of 4 stars; one submission).

Conditions:
Baller-Gerold syndrome (BGS). Also called: CRANIOSYNOSTOSIS WITH RADIAL DEFECTS. Identifiers: Orphanet 1225, MedGen C0265308, MONDO:0009039, OMIM 218600.

Allele frequency attached by ClinVar (database versions not stated): gnomAD exomes below 0.00001.
gnomAD v4.1: 4 of 1,531,322 alleles (0.00026%); highest among the groups gnomAD compares: East Asian, 0.0045%; no homozygotes.

Submission:

Labcorp Genetics (formerly Invitae), Labcorp
Classification: Pathogenic for Baller-Gerold syndrome. Last evaluated: 2025-05-05. Review status: criteria provided, single submitter. Criteria: Invitae Variant Classification Sherloc (09022015). Collection method: clinical testing. Allele origin: germline.
Comment: This sequence change creates a premature translational stop signal (p.Trp128*) in the RECQL4 gene. It is expected to result in an absent or disrupted protein product. Loss-of-function variants in RECQL4 are known to be pathogenic (PMID: 12734318, 12952869). This variant is not present in population databases (gnomAD no frequency). This variant has not been reported in the literature in individuals affected with RECQL4-related conditions. ClinVar contains an entry for this variant (Variation ID: 2728058). For these reasons, this variant has been classified as Pathogenic.

Literature cited by the submitters: PubMed 12734318; PubMed 12952869.

NM_004260.4(RECQL4):c.384G>A (p.Trp128Ter)

Gene: RECQL4 (RecQ like helicase 4; minus strand). Cytogenetic location: 8q24.3.
Variant type: single nucleotide variant.
Coding change: c.384G>A on transcript NM_004260.4 (MANE Select); coding-DNA position 384, G replaced by A.
Protein change: p.Trp128Ter; replaces tryptophan 128 with a stop codon.
Molecular consequence: nonsense. On other transcripts: 5 prime UTR variant (13), non-coding transcript variant (3), intron variant (5).
Genome position (GRCh38, 1-based): chr8:144,516,735, C>T on the plus strand (G>A on the coding strand, the complement: RECQL4 is on the minus strand). VCF-style: chr8-144516735-C-T. GRCh37 (hg19) VCF-style: chr8-145742119-C-T.
Other names: c.384G>A, p.Trp128Ter (NM_001413017.1, NM_001413018.1, NM_001413019.1 and 4 more transcripts); c.-688G>A (NM_001413022.1, NM_001413023.1, NM_001413037.1 and 3 more transcripts); c.255G>A, p.Trp85Ter (NM_001413025.1); c.-750G>A (NM_001413027.1, NM_001413030.1, NM_001413031.1 and 1 more transcripts); c.-413G>A (NM_001413028.1); c.-592G>A (NM_001413034.1); c.-957G>A (NM_001413043.1); c.354+315G>A (NM_001413029.1); and 3 more; short protein forms W128*, W85*.
Identifiers: ClinVar variation 2728058 (VCV002728058.3), dbSNP rs1335967859, ClinGen allele CA372691680.
Genomic context (GRCh38, chr8:144,516,735, plus strand): 5'-GACAGGCCCTGTACCTGGGGGCTTTGGGGTGGATGCCTTAGATGAGGCTCTTCCTAGAGG[C>T]CACGGTCTGCGGCCCAGGGCTGGTCCGGCCTGGGAGGGGAACAACAGAACAGCAGGAGGA-3'